The following is an entry in ClinVar:

NM_001099403.2(PRDM8):c.940A>T (p.Arg314Trp)

Genes: PRDM8 (PR/SET domain 8; plus strand), LOC129992744 (ATAC-STARR-seq lymphoblastoid silent region 15521; plus strand). Cytogenetic location: 4q21.21.
Variant type: single nucleotide variant.
Coding change: c.940A>T on transcript NM_001099403.2 (MANE Select); coding-DNA position 940, A replaced by T.
Protein change: p.Arg314Trp; replaces arginine 314 with tryptophan.
Molecular consequence: missense variant.
Genome position (GRCh38, 1-based): chr4:80,202,402, A>T. VCF-style: chr4-80202402-A-T. GRCh37 (hg19) VCF-style: chr4-81123556-A-T.
Other names: c.940A>T, p.Arg314Trp (NM_020226.4); short protein forms R314W.
Identifiers: ClinVar variation 853902 (VCV000853902.10), dbSNP rs769365726, ClinGen allele CA2982361.

ClinVar aggregate classification (germline): Uncertain significance (1 of 4 stars; one submission).

Conditions:
Early-onset Lafora body disease. Also called: Epilepsy, progressive myoclonic, 10. Identifiers: Orphanet 324290, MedGen C4225258, MONDO:0014717, OMIM 616640.

Allele frequency attached by ClinVar (database versions not stated): ExAC below 0.00001; gnomAD exomes 0.00001 and 0.00002.

Submission:

Labcorp Genetics (formerly Invitae), Labcorp
Classification: Uncertain significance for Early-onset Lafora body disease. Last evaluated: 2022-08-09. Review status: criteria provided, single submitter. Criteria: Invitae Variant Classification Sherloc (09022015). Collection method: clinical testing. Allele origin: germline.
Comment: ClinVar contains an entry for this variant (Variation ID: 853902). Algorithms developed to predict the effect of missense changes on protein structure and function are either unavailable or do not agree on the potential impact of this missense change (SIFT: "Deleterious"; PolyPhen-2: "Probably Damaging"; Align-GVGD: "Class C0"). This variant has not been reported in the literature in individuals affected with PRDM8-related conditions. This variant is present in population databases (rs769365726, gnomAD 0.006%). This sequence change replaces arginine, which is basic and polar, with tryptophan, which is neutral and slightly polar, at codon 314 of the PRDM8 protein (p.Arg314Trp). In summary, the available evidence is currently insufficient to determine the role of this variant in disease. Therefore, it has been classified as a Variant of Uncertain Significance.